The following is an entry in ClinVar:

ClinVar aggregate classification (germline): Uncertain significance (1 of 4 stars; one submission).

Allele frequency attached by ClinVar (database versions not stated): ExAC 0.00001; gnomAD 0.00001; gnomAD exomes 0.00001; TOPMed 0.00003.
gnomAD v4.1: 11 of 1,613,464 alleles (0.00068%); highest among the groups gnomAD compares: Middle Eastern, 0.035%; no homozygotes.

Submission:

Labcorp Genetics (formerly Invitae), Labcorp
Classification: Uncertain significance. Last evaluated: 2023-07-07. Review status: criteria provided, single submitter. Criteria: Invitae Variant Classification Sherloc (09022015). Collection method: clinical testing. Allele origin: germline.
Comment: In summary, the available evidence is currently insufficient to determine the role of this variant in disease. Therefore, it has been classified as a Variant of Uncertain Significance. This sequence change replaces arginine, which is basic and polar, with glutamine, which is neutral and polar, at codon 352 of the ABHD12 protein (p.Arg352Gln). This variant is present in population databases (rs776404400, gnomAD 0.007%). This variant has not been reported in the literature in individuals affected with ABHD12-related conditions. ClinVar contains an entry for this variant (Variation ID: 1061854). Advanced modeling of protein sequence and biophysical properties (such as structural, functional, and spatial information, amino acid conservation, physicochemical variation, residue mobility, and thermodynamic stability) performed at Invitae indicates that this missense variant is not expected to disrupt ABHD12 protein function.

NM_001042472.3(ABHD12):c.1055G>A (p.Arg352Gln)

Gene: ABHD12 (abhydrolase domain containing 12, lysophospholipase; minus strand). Cytogenetic location: 20p11.21.
Variant type: single nucleotide variant.
Coding change: c.1055G>A on transcript NM_001042472.3 (MANE Select); coding-DNA position 1055, G replaced by A.
Protein change: p.Arg352Gln; replaces arginine 352 with glutamine.
Molecular consequence: missense variant.
Genome position (GRCh38, 1-based): chr20:25,302,321, C>T on the plus strand (G>A on the coding strand, the complement: ABHD12 is on the minus strand). VCF-style: chr20-25302321-C-T. GRCh37 (hg19) VCF-style: chr20-25282957-C-T.
Other names: c.1055G>A, p.Arg352Gln (NM_015600.5); short protein forms R352Q.
Identifiers: ClinVar variation 1061854 (VCV001061854.9), dbSNP rs776404400, ClinGen allele CA9795833.